The following is an entry in ClinVar:

NM_001377.3(DYNC2H1):c.4532T>G (p.Leu1511Trp)

Gene: DYNC2H1 (dynein cytoplasmic 2 heavy chain 1; plus strand). Cytogenetic location: 11q22.3.
Variant type: single nucleotide variant.
Coding change: c.4532T>G on transcript NM_001377.3 (MANE Select); coding-DNA position 4532, T replaced by G.
Protein change: p.Leu1511Trp; replaces leucine 1511 with tryptophan.
Molecular consequence: missense variant.
Genome position (GRCh38, 1-based): chr11:103,163,068, T>G. VCF-style: chr11-103163068-T-G. GRCh37 (hg19) VCF-style: chr11-103033797-T-G.
Other names: c.4532T>G, p.Leu1511Trp (NM_001080463.2); short protein forms L1511W.
Identifiers: ClinVar variation 2042464 (VCV002042464.4), dbSNP rs1443971050, ClinGen allele CA382239121.

ClinVar aggregate classification (germline): Uncertain significance (1 of 4 stars; one submission).

Conditions:
Jeune thoracic dystrophy. Also called: Jeune syndrome; Infantile thoracic dystrophy; Thoracic pelvic phalangeal dystrophy; Jeune's syndrome; Chondroectodermal dysplasia-like syndrome; Short-rib thoracic dysplasia. Identifiers: Orphanet 474, MedGen C0265275, MONDO:0018770.

Submission:

Labcorp Genetics (formerly Invitae), Labcorp
Classification: Uncertain significance for Jeune thoracic dystrophy. Last evaluated: 2022-07-01. Review status: criteria provided, single submitter. Criteria: Invitae Variant Classification Sherloc (09022015). Collection method: clinical testing. Allele origin: germline.
Comment: This sequence change replaces leucine, which is neutral and non-polar, with tryptophan, which is neutral and slightly polar, at codon 1511 of the DYNC2H1 protein (p.Leu1511Trp). This variant is not present in population databases (gnomAD no frequency). This variant has not been reported in the literature in individuals affected with DYNC2H1-related conditions. Algorithms developed to predict the effect of missense changes on protein structure and function are either unavailable or do not agree on the potential impact of this missense change (SIFT: "Deleterious"; PolyPhen-2: "Probably Damaging"; Align-GVGD: "Class C0"). In summary, the available evidence is currently insufficient to determine the role of this variant in disease. Therefore, it has been classified as a Variant of Uncertain Significance.